The following is an entry in ClinVar:

ClinVar aggregate classification (germline): Uncertain significance (1 of 4 stars; one submission).

gnomAD v4.1: 4 of 1,606,336 alleles (0.00025%); highest among the groups gnomAD compares: South Asian, 0.0033%; no homozygotes.

Submission:

Women's Health and Genetics/Laboratory Corporation of America, LabCorp
Classification: Uncertain significance. Last evaluated: 2025-12-09. Review status: criteria provided, single submitter. Criteria: LabCorp Variant Classification Summary - May 2015. Collection method: clinical testing. Allele origin: germline.
Comment: Variant summary: LHX3 c.769G>T (p.Asp257Tyr) results in a non-conservative amino acid change in the encoded protein sequence. Algorithms developed to predict the effect of missense changes on protein structure and function all suggest that this variant is likely to be disruptive. The variant allele was found at a frequency of 1.3e-05 in 230254 control chromosomes. The available data on variant occurrences in the general population are insufficient to allow any conclusion about variant significance. To our knowledge, no occurrence of c.769G>T in individuals affected with LHX3-related conditions and no experimental evidence demonstrating its impact on protein function have been reported. No submitters have cited clinical-significance assessments for this variant to ClinVar. Based on the evidence outlined above, the variant was classified as uncertain significance.

NM_178138.6(LHX3):c.754G>T (p.Asp252Tyr)

Gene: LHX3 (LIM homeobox 3; minus strand). Cytogenetic location: 9q34.3.
Variant type: single nucleotide variant.
Coding change: c.754G>T on transcript NM_178138.6 (MANE Select); coding-DNA position 754, G replaced by T.
Protein change: p.Asp252Tyr; replaces aspartic acid 252 with tyrosine.
Molecular consequence: missense variant.
Genome position (GRCh38, 1-based): chr9:136,198,673, C>A on the plus strand (G>T on the coding strand, the complement: LHX3 is on the minus strand). VCF-style: chr9-136198673-C-A. GRCh37 (hg19) VCF-style: chr9-139090519-C-A.
Other names: c.721G>T, p.Asp241Tyr (NM_001363746.1); c.769G>T, p.Asp257Tyr (NM_014564.5); short protein forms D241Y, D252Y, D257Y.
Identifiers: ClinVar variation 4688464 (VCV004688464.1).